The following is an entry in ClinVar:

NM_001130144.3(LTBP3):c.7G>A (p.Gly3Arg)

Gene: LTBP3 (latent transforming growth factor beta binding protein 3; minus strand). Cytogenetic location: 11q13.1.
Variant type: single nucleotide variant.
Coding change: c.7G>A on transcript NM_001130144.3 (MANE Select); coding-DNA position 7, G replaced by A.
Protein change: p.Gly3Arg; replaces glycine 3 with arginine.
Molecular consequence: missense variant. On other transcripts: 5 prime UTR variant (1).
Genome position (GRCh38, 1-based): chr11:65,557,953, C>T on the plus strand (G>A on the coding strand, the complement: LTBP3 is on the minus strand). VCF-style: chr11-65557953-C-T. GRCh37 (hg19) VCF-style: chr11-65325424-C-T.
Other names: c.-341G>A (NM_001164266.1); c.7G>A, p.Gly3Arg (NM_021070.4); c.7G>A (NM_001130144.2); short protein forms G3R.
Identifiers: ClinVar variation 1354003 (VCV001354003.7), dbSNP rs1394412946, ClinGen allele CA381278885.

ClinVar aggregate classification (germline): Uncertain significance. Review status: criteria provided, multiple submitters, no conflicts (2 of 4 stars). 2 submissions from 2 submitters: Uncertain significance (2). Last evaluated 2025-07-11.

Conditions:
Brachyolmia-amelogenesis imperfecta syndrome. Also called: Tooth agenesis, selective, 6; Dental anomalies and short stature; PLATYSPONDYLY WITH AMELOGENESIS IMPERFECTA. Identifiers: Orphanet 2899, MedGen C1832594, MONDO:0011018, OMIM 601216. Disease mechanism: loss of function.
LTBP3-related disorder. Also called: LTBP3-related condition.

gnomAD v4.1: 4 of 1,164,746 alleles (0.00034%); highest among the groups gnomAD compares: Non-Finnish European, 0.00042%; no homozygotes.

Submissions (2):

PreventionGenetics, part of Exact Sciences
Classification: Uncertain significance for LTBP3-related condition. Last evaluated: 2025-07-11. Review status: criteria provided, single submitter. Criteria: ACMG Guidelines, 2015. Collection method: clinical testing. Allele origin: germline.
Comment: The LTBP3 c.7G>A variant is predicted to result in the amino acid substitution p.Gly3Arg. To our knowledge, this variant has not been reported in the literature or in a large population database (gnomAD), indicating this variant is rare. At this time, the clinical significance of this variant is uncertain due to the absence of conclusive functional and genetic evidence.

Labcorp Genetics (formerly Invitae), Labcorp
Classification: Uncertain significance for Brachyolmia-amelogenesis imperfecta syndrome. Last evaluated: 2025-03-24. Review status: criteria provided, single submitter. Criteria: Invitae Variant Classification Sherloc (09022015). Collection method: clinical testing. Allele origin: germline.
Comment: This sequence change replaces glycine, which is neutral and non-polar, with arginine, which is basic and polar, at codon 3 of the LTBP3 protein (p.Gly3Arg). This variant is not present in population databases (gnomAD no frequency). This variant has not been reported in the literature in individuals affected with LTBP3-related conditions. ClinVar contains an entry for this variant (Variation ID: 1354003). Experimental studies and prediction algorithms are not available or were not evaluated, and the functional significance of this variant is currently unknown. In summary, the available evidence is currently insufficient to determine the role of this variant in disease. Therefore, it has been classified as a Variant of Uncertain Significance.